The following is an entry in ClinVar:

NM_001457.4(FLNB):c.1162G>A (p.Asp388Asn)

Gene: FLNB (filamin B; plus strand). Cytogenetic location: 3p14.3.
Variant type: single nucleotide variant.
Coding change: c.1162G>A on transcript NM_001457.4 (MANE Select); coding-DNA position 1162, G replaced by A.
Protein change: p.Asp388Asn; replaces aspartic acid 388 with asparagine.
Molecular consequence: missense variant.
Genome position (GRCh38, 1-based): chr3:58,098,725, G>A. VCF-style: chr3-58098725-G-A. GRCh37 (hg19) VCF-style: chr3-58084452-G-A.
Other names: c.1162G>A, p.Asp388Asn (NM_001164317.2, NM_001164318.2, NM_001164319.2); short protein forms D388N.
Identifiers: ClinVar variation 1395704 (VCV001395704.6), dbSNP rs2107062140, ClinGen allele CA353336761.

ClinVar aggregate classification (germline): Uncertain significance (1 of 4 stars; one submission).

Submission:

Labcorp Genetics (formerly Invitae), Labcorp
Classification: Uncertain significance. Last evaluated: 2021-11-29. Review status: criteria provided, single submitter. Criteria: Invitae Variant Classification Sherloc (09022015). Collection method: clinical testing. Allele origin: germline.
Comment: Advanced modeling of protein sequence and biophysical properties (such as structural, functional, and spatial information, amino acid conservation, physicochemical variation, residue mobility, and thermodynamic stability) performed at Invitae indicates that this missense variant is not expected to disrupt FLNB protein function. In summary, the available evidence is currently insufficient to determine the role of this variant in disease. Therefore, it has been classified as a Variant of Uncertain Significance. This variant has not been reported in the literature in individuals affected with FLNB-related conditions. This variant is not present in population databases (gnomAD no frequency). This sequence change replaces aspartic acid, which is acidic and polar, with asparagine, which is neutral and polar, at codon 388 of the FLNB protein (p.Asp388Asn).